The following is an entry in ClinVar:

NM_001110556.2(FLNA):c.623-8C>A

Gene: FLNA (filamin A; minus strand). Cytogenetic location: Xq28.
Variant type: single nucleotide variant.
Coding change: c.623-8C>A on transcript NM_001110556.2 (MANE Select); 8 bases into the intron before coding-DNA position 623, C replaced by A.
Molecular consequence: intron variant.
Genome position (GRCh38, 1-based): chrX:154,367,746, G>T on the plus strand (C>A on the coding strand, the complement: FLNA is on the minus strand). VCF-style: chrX-154367746-G-T. GRCh37 (hg19) VCF-style: chrX-153596114-G-T.
Other names: c.623-8C>A (NM_001456.4).
Identifiers: ClinVar variation 982427 (VCV000982427.1), dbSNP rs111542756, ClinGen allele CA1139667849.
Genomic context (GRCh38, chrX:154,367,746, plus strand): 5'-CGCATTGGTAACGGGCTTGCTGGCGTCCCAAGAGTCCCAGTCAGGACACAGGCCTGTGGC[G>T]CAAGGGAGGCTGTGAGTCTGGGGGCCGCAGAACCCCCTCAAGGGCCACCCATGGGTGACC-3'

ClinVar aggregate classification (germline): Uncertain significance (1 of 4 stars; one submission).

Conditions:
Melnick-Needles syndrome (MNS). Also called: Melnick-Needles Syndrome (FLNA-MNS); MELNICK-NEEDLES OSTEODYSPLASTY; OSTEODYSPLASTY OF MELNICK AND NEEDLES. Identifiers: Orphanet 2484, MedGen C0025237, MONDO:0010650, OMIM 309350.

Submission:

HudsonAlpha Institute for Biotechnology
Classification: Uncertain significance for Melnick-Needles syndrome. Last evaluated: 2020-08-26. Review status: criteria provided, single submitter. Criteria: ACMG Guidelines, 2015. Collection method: research. Allele origin: unknown. Observed: 1 variant allele. Study: CSER-SouthSeq.
Comment: ACMG codes:PM2, PP3